The following is an entry in ClinVar:

NM_003040.4(SLC4A2):c.3140C>T (p.Ala1047Val)

Gene: SLC4A2 (solute carrier family 4 member 2; plus strand). Cytogenetic location: 7q36.1.
Variant type: single nucleotide variant.
Coding change: c.3140C>T on transcript NM_003040.4 (MANE Select); coding-DNA position 3140, C replaced by T.
Protein change: p.Ala1047Val; replaces alanine 1047 with valine.
Molecular consequence: missense variant.
Genome position (GRCh38, 1-based): chr7:151,075,347, C>T. VCF-style: chr7-151075347-C-T. GRCh37 (hg19) VCF-style: chr7-150772434-C-T.
Other names: c.3140C>T, p.Ala1047Val (NM_001199692.3); c.3113C>T, p.Ala1038Val (NM_001199693.1); c.3098C>T, p.Ala1033Val (NM_001199694.2); short protein forms A1047V, A1033V, A1038V.
Identifiers: ClinVar variation 64510 (VCV000064510.2), dbSNP rs387907521, ClinGen allele CA216309.

ClinVar aggregate classification (germline): Uncertain significance (0 of 4 stars; one submission).

Submission:

Martin Pollak Laboratory,  Beth Israel Deaconess Medical Center
Classification: Uncertain significance. Review status: no assertion criteria provided. Collection method: not provided. Allele origin: unknown.
Comment: Lower UCa2+ group
ClinVar note: Converted during submission from unknown to Uncertain significance.